The following is an entry in ClinVar:

ClinVar aggregate classification (germline): Pathogenic (1 of 4 stars; one submission).

Conditions:
Gorlin syndrome. Also called: Basal cell nevus syndrome; Nevoid Basal Cell Carcinoma Syndrome. Identifiers: Orphanet 377, MedGen C0004779, MONDO:0007187.

Submission:

Labcorp Genetics (formerly Invitae), Labcorp
Classification: Pathogenic for Gorlin syndrome. Last evaluated: 2023-04-27. Review status: criteria provided, single submitter. Criteria: Invitae Variant Classification Sherloc (09022015). Collection method: clinical testing. Allele origin: germline.
Comment: For these reasons, this variant has been classified as Pathogenic. This variant has not been reported in the literature in individuals affected with PTCH1-related conditions. This variant is not present in population databases (gnomAD no frequency). This sequence change creates a premature translational stop signal (p.Asp301Argfs*16) in the PTCH1 gene. It is expected to result in an absent or disrupted protein product. Loss-of-function variants in PTCH1 are known to be pathogenic (PMID: 16301862, 16419085).

Literature cited by the submitters: PubMed 16301862; PubMed 16419085.

NM_000264.5(PTCH1):c.901_905del (p.Asp301fs)

Gene: PTCH1 (patched 1; minus strand). Cytogenetic location: 9q22.32.
Variant type: Deletion.
Coding change: c.901_905del on transcript NM_000264.5 (MANE Select); coding-DNA positions 901 to 905, 5 bases deleted (GATCC; older notation c.901_905delGATCC).
Protein change: p.Asp301fs; shifts the reading frame from aspartic acid 301.
Molecular consequence: frameshift variant. On other transcripts: non-coding transcript variant (1).
Genome position (GRCh38, 1-based): chr9:95,480,430-95,480,434, GGATC deleted on the plus strand (GATCC on the coding strand, the reverse complement: PTCH1 is on the minus strand); deleting any 5 consecutive bases within chr9:95,480,430-95,480,436 gives the same sequence; the c. name uses the placement nearest the transcript's 3' end. VCF-style (leftmost placement, unchanged base first): chr9-95480429-TGGATC-T. GRCh37 (hg19) VCF-style: chr9-98242711-TGGATC-T.
Other names: c.703_707del, p.Asp235fs (NM_001083602.3); c.898_902del, p.Asp300fs (NM_001083603.3); c.448_452del, p.Asp150fs (NM_001083604.3, NM_001083605.3, NM_001083606.3 and 1 more transcripts); c.901_905del, p.Asp301fs (NM_001354918.2); short protein forms D300fs, D235fs, D150fs, D301fs.
Identifiers: ClinVar variation 2859724 (VCV002859724.3), dbSNP rs2538231122, ClinGen allele CA2739264790.